The following is an entry in ClinVar:

ClinVar aggregate classification (germline): Uncertain significance. Review status: criteria provided, multiple submitters, no conflicts (2 of 4 stars). 3 submissions from 3 submitters: Uncertain significance (3). Last evaluated 2025-12-22.

Conditions:
Hereditary cancer-predisposing syndrome. Also called: Hereditary Cancer Syndrome; Neoplastic Syndromes, Hereditary; Tumor predisposition; Hereditary neoplastic syndrome. Identifiers: Orphanet 140162, MedGen C0027672, MeSH D009386, MONDO:0015356.
Endometrial carcinoma. Also called: Endometrial carcinoma, somatic. Identifiers: MedGen C0476089, MONDO:0002447, OMIM 608089, HP:0012114.

Submissions (3):

Labcorp Genetics (formerly Invitae), Labcorp
Classification: Uncertain significance. Last evaluated: 2025-12-22. Review status: criteria provided, single submitter. Criteria: Invitae Variant Classification Sherloc (09022015). Collection method: clinical testing. Allele origin: germline.
Comment: This sequence change replaces leucine, which is neutral and non-polar, with proline, which is neutral and non-polar, at codon 561 of the MSH3 protein (p.Leu561Pro). This variant is not present in population databases (gnomAD no frequency). This variant has not been reported in the literature in individuals affected with MSH3-related conditions. ClinVar contains an entry for this variant (Variation ID: 1023456). An algorithm developed to predict the effect of missense changes on protein structure and function (PolyPhen-2) suggests that this variant is likely to be disruptive. In summary, the available evidence is currently insufficient to determine the role of this variant in disease. Therefore, it has been classified as a Variant of Uncertain Significance.

Baylor Genetics
Classification: Uncertain significance for Endometrial carcinoma. Last evaluated: 2024-03-18. Review status: criteria provided, single submitter. Criteria: ACMG Guidelines, 2015. Collection method: clinical testing. Allele origin: unknown.

Ambry Genetics
Classification: Uncertain significance for Hereditary cancer-predisposing syndrome. Last evaluated: 2021-12-21. Review status: criteria provided, single submitter. Criteria: Ambry Variant Classification Scheme 2023. Collection method: clinical testing. Allele origin: germline.
Comment: The p.L561P variant (also known as c.1682T>C), located in coding exon 12 of the MSH3 gene, results from a T to C substitution at nucleotide position 1682. The leucine at codon 561 is replaced by proline, an amino acid with similar properties. This amino acid position is conserved. In addition, this alteration is predicted to be deleterious by in silico analysis. Since supporting evidence is limited at this time, the clinical significance of this alteration remains unclear.

NM_002439.5(MSH3):c.1682T>C (p.Leu561Pro)

Gene: MSH3 (mutS homolog 3; plus strand). Cytogenetic location: 5q14.1.
Variant type: single nucleotide variant.
Coding change: c.1682T>C on transcript NM_002439.5 (MANE Select); coding-DNA position 1682, T replaced by C.
Protein change: p.Leu561Pro; replaces leucine 561 with proline.
Molecular consequence: missense variant.
Genome position (GRCh38, 1-based): chr5:80,744,534, T>C. VCF-style: chr5-80744534-T-C. GRCh37 (hg19) VCF-style: chr5-80040353-T-C.
Other names: short protein forms L561P.
Identifiers: ClinVar variation 1023456 (VCV001023456.13), dbSNP rs1743679562, ClinGen allele CA360274680.